The following is an entry in ClinVar:

ClinVar aggregate classification (germline): Benign (0 of 4 stars; one submission).

Conditions:
PLXNA4-related disorder. Also called: PLXNA4-related condition.

Allele frequency attached by ClinVar (database versions not stated): 1000 Genomes Project 30x 0.25468; 1000 Genomes Project 0.25499; TOPMed 0.37820; gnomAD 0.39997; ESP Exome Variant Server 0.43175; ExAC 0.45331; gnomAD exomes 0.53765.
gnomAD v4.1: 841,410 of 1,609,086 alleles (52%); highest among the groups gnomAD compares: Non-Finnish European, 59%; 238,082 homozygotes.

Submission:

PreventionGenetics, part of Exact Sciences
Classification: Benign for PLXNA4-related condition. Last evaluated: 2022-08-19. Review status: no assertion criteria provided. Collection method: clinical testing. Allele origin: germline.
Comment: This variant is classified as benign based on ACMG/AMP sequence variant interpretation guidelines (Richards et al. 2015 PMID: 25741868, with internal and published modifications).

NM_020911.2(PLXNA4):c.1372-87073A>G

Gene: PLXNA4 (plexin A4; minus strand). Cytogenetic location: 7q32.3.
Variant type: single nucleotide variant.
Coding change: c.1372-87073A>G on transcript NM_020911.2 (MANE Select); 87073 bases into the intron before coding-DNA position 1372, A replaced by G.
Molecular consequence: intron variant. On other transcripts: missense variant (1).
Genome position (GRCh38, 1-based): chr7:132,385,295, T>C on the plus strand (A>G on the coding strand, the complement: PLXNA4 is on the minus strand). VCF-style: chr7-132385295-T-C. GRCh37 (hg19) VCF-style: chr7-132070054-T-C.
Other names: c.1372A>G, p.Met458Val (NM_001105543.2); c.1372-87073A>G (NM_001393897.1); short protein forms M458V.
Identifiers: ClinVar variation 3059115 (VCV003059115.2), dbSNP rs741664, ClinGen allele CA4490212.